The following is an entry in ClinVar:

NM_000059.4(BRCA2):c.10238C>T (p.Thr3413Ile)

Gene: BRCA2 (BRCA2 DNA repair associated; plus strand). Cytogenetic location: 13q13.1.
Variant type: single nucleotide variant.
Coding change: c.10238C>T on transcript NM_000059.4 (MANE Select); coding-DNA position 10238, C replaced by T.
Protein change: p.Thr3413Ile; replaces threonine 3413 with isoleucine.
Molecular consequence: missense variant.
Genome position (GRCh38, 1-based): chr13:32,398,751, C>T. VCF-style: chr13-32398751-C-T. GRCh37 (hg19) VCF-style: chr13-32972888-C-T.
Other names: short protein forms T3413I.
Identifiers: ClinVar variation 631384 (VCV000631384.3), dbSNP rs730881584, ClinGen allele CA387768621.

ClinVar aggregate classification (germline): Likely benign. Review status: criteria provided, multiple submitters, no conflicts (2 of 4 stars). 2 submissions from 2 submitters: Likely benign (2). Last evaluated 2022-11-30.

Conditions:
Hereditary cancer-predisposing syndrome. Also called: Hereditary Cancer Syndrome; Neoplastic Syndromes, Hereditary; Tumor predisposition; Hereditary neoplastic syndrome. Identifiers: Orphanet 140162, MedGen C0027672, MeSH D009386, MONDO:0015356.
Breast-ovarian cancer, familial, susceptibility to, 2 (BROVCA2). Also called: BRCA2 Hereditary Breast and Ovarian Cancer. Identifiers: Orphanet 145, MedGen C2675520, MONDO:0012933, OMIM 612555. Disease mechanism: loss of function.

Submissions (2):

All of Us Research Program, National Institutes of Health
Classification: Likely benign for Breast-ovarian cancer, familial, susceptibility to, 2. Last evaluated: 2022-11-30. Review status: criteria provided, single submitter. Criteria: ACMG Guidelines, 2015. Collection method: clinical testing. Allele origin: germline. Inheritance: Autosomal dominant inheritance. Observed: 1 variant allele, 1 heterozygote.
Comment: This study involves interpretation of variants in research participants for the purpose of population health screening. Participant phenotype was not available at the time of variant classification. Additional details can be found in publication PMID: 35346344, PMCID: PMC8962531

Color Diagnostics, LLC DBA Color Health
Classification: Likely benign for Hereditary cancer-predisposing syndrome. Last evaluated: 2018-02-22. Review status: criteria provided, single submitter. Criteria: ACMG Guidelines, 2015. Collection method: clinical testing. Allele origin: germline.